The following is an entry in ClinVar:

NM_000203.5(IDUA):c.193G>A (p.Val65Ile)

Genes: IDUA (alpha-L-iduronidase; plus strand), SLC26A1 (solute carrier family 26 member 1; minus strand). Cytogenetic location: 4p16.3.
Variant type: single nucleotide variant.
Coding change: c.193G>A on transcript NM_000203.5 (MANE Select); coding-DNA position 193, G replaced by A.
Protein change: p.Val65Ile; replaces valine 65 with isoleucine.
Molecular consequence: missense variant. On other transcripts: 3 prime UTR variant (2), non-coding transcript variant (1), intron variant (1).
Genome position (GRCh38, 1-based): chr4:987,843, G>A. VCF-style: chr4-987843-G-A. GRCh37 (hg19) VCF-style: chr4-981631-G-A.
Other names: c.193G>A (NM_000203.4, NM_000203.3); c.*990C>T (NM_022042.4, NM_213613.4); c.576+3285C>T (NM_134425.4); short protein forms V65I.
Identifiers: ClinVar variation 1400948 (VCV001400948.9), dbSNP rs762406262, ClinGen allele CA2801133.
Genomic context (GRCh38, chr4:987,843, plus strand): 5'-CTGAGCCGCCCCTTTGTTGTCCCCAGCCCCCCGCTGCCACACAGCCAGGCTGACCAGTAC[G>A]TCCTCAGCTGGGACCAGCAGCTCAACCTCGCCTATGTGGGCGCCGTCCCTCACCGCGGCA-3'
Protein context (NP_000194.2, residues 55-75): PLPHSQADQY[Val65Ile]LSWDQQLNLA

ClinVar aggregate classification (germline): Uncertain significance. Review status: criteria provided, multiple submitters, no conflicts (2 of 4 stars). 6 submissions from 6 submitters: Uncertain significance (6). Last evaluated 2025-12-09.

Conditions:
IDUA-related disorder. Also called: IDUA-related condition.
Mucopolysaccharidosis type 1. Also called: Mucopolysaccharidosis Type I; IDUA deficiency; MPS I. Identifiers: Orphanet 579, MedGen C0023786, MONDO:0001586.
Mucopolysaccharidosis, MPS-I-H/S. Also called: Mucopolysaccharidosis type IH/S. Identifiers: Orphanet 93476, MedGen C0086431, MONDO:0011759, OMIM 607015.
Inborn genetic diseases. Identifiers: MedGen C0950123, MeSH D030342.

Allele frequency attached by ClinVar (database versions not stated): gnomAD exomes 0.00002 and 0.00001; ExAC 0.00004; TOPMed below 0.00001; gnomAD 0.00001 and 0.00002.
gnomAD v4.1: 18 of 1,612,462 alleles (0.0011%); highest among the groups gnomAD compares: Middle Eastern, 0.066%; no homozygotes.

Submissions (6):

PreventionGenetics, part of Exact Sciences
Classification: Uncertain significance for IDUA-related condition. Last evaluated: 2025-12-09. Review status: criteria provided, single submitter. Criteria: ACMG Guidelines, 2015. Collection method: clinical testing. Allele origin: germline.
Comment: The IDUA c.193G>A variant is predicted to result in the amino acid substitution p.Val65Ile. To our knowledge, this variant has not been reported in the literature. This variant is reported in 0.0066% of alleles in individuals of South Asian descent in gnomAD. At this time, the clinical significance of this variant is uncertain due to the absence of conclusive functional and genetic evidence.

Ambry Genetics
Classification: Uncertain significance for Inborn genetic diseases. Last evaluated: 2025-11-18. Review status: criteria provided, single submitter. Criteria: Ambry Variant Classification Scheme 2023. Collection method: clinical testing. Allele origin: germline.
Comment: The p.V65I variant (also known as c.193G>A), located in coding exon 2 of the IDUA gene, results from a G to A substitution at nucleotide position 193. The valine at codon 65 is replaced by isoleucine, an amino acid with highly similar properties. This amino acid position is conserved. In addition, this alteration is predicted to be tolerated by in silico analysis. Based on the available evidence, the clinical significance of this variant remains unclear.

3billion
Classification: Uncertain significance for Mucopolysaccharidosis, MPS-I-H/S. Last evaluated: 2025-07-07. Review status: criteria provided, single submitter. Criteria: ACMG Guidelines, 2015. Collection method: clinical testing. Allele origin: germline. Affected: yes.
Comment: The variant is observed at an extremely low frequency in the gnomAD v4.1.0 dataset (total allele frequency: 0.001%). Predicted Consequence/Location: Missense variant In silico tool predictions suggest damaging effect of the variant on gene or gene product [3Cnet: 0.87 (> 0.75, sensitivity 0.96 and precision 0.92)]. The variant has been reported as of uncertain significance (ClinVar ID: VCV001400948). Therefore, this variant is classified as VUS according to the recommendation of ACMG/AMP guideline.

Revvity Omics, Revvity
Classification: Uncertain significance. Last evaluated: 2024-04-15. Review status: criteria provided, single submitter. Criteria: ACMG Guidelines, 2015. Collection method: clinical testing. Allele origin: germline.

GeneDx
Classification: Uncertain significance. Last evaluated: 2024-01-26. Review status: criteria provided, single submitter. Criteria: GeneDx Variant Classification Process June 2021. Collection method: clinical testing. Allele origin: germline. Affected: yes.
Comment: Not observed at significant frequency in large population cohorts (gnomAD); In silico analysis supports that this missense variant does not alter protein structure/function; Has not been previously published as pathogenic or benign to our knowledge

Labcorp Genetics (formerly Invitae), Labcorp
Classification: Uncertain significance for Mucopolysaccharidosis type 1. Last evaluated: 2021-12-01. Review status: criteria provided, single submitter. Criteria: Invitae Variant Classification Sherloc (09022015). Collection method: clinical testing. Allele origin: germline.
Comment: This sequence change replaces valine, which is neutral and non-polar, with isoleucine, which is neutral and non-polar, at codon 65 of the IDUA protein (p.Val65Ile). This variant is present in population databases (rs762406262, gnomAD 0.007%). This variant has not been reported in the literature in individuals affected with IDUA-related conditions. Advanced modeling of protein sequence and biophysical properties (such as structural, functional, and spatial information, amino acid conservation, physicochemical variation, residue mobility, and thermodynamic stability) performed at Invitae indicates that this missense variant is not expected to disrupt IDUA protein function. In summary, the available evidence is currently insufficient to determine the role of this variant in disease. Therefore, it has been classified as a Variant of Uncertain Significance.